The following is an entry in ClinVar:

NM_000548.5(TSC2):c.2338C>G (p.Leu780Val)

Gene: TSC2 (TSC complex subunit 2; plus strand). Cytogenetic location: 16p13.3.
Variant type: single nucleotide variant.
Coding change: c.2338C>G on transcript NM_000548.5 (MANE Select); coding-DNA position 2338, C replaced by G.
Protein change: p.Leu780Val; replaces leucine 780 with valine.
Molecular consequence: missense variant. On other transcripts: non-coding transcript variant (5).
Genome position (GRCh38, 1-based): chr16:2,072,966, C>G. VCF-style: chr16-2072966-C-G. GRCh37 (hg19) VCF-style: chr16-2122967-C-G.
Other names: c.2338C>G, p.Leu780Val (NM_001406664.1, NM_001406665.1, NM_021055.3 and 6 more transcripts); c.2428C>G, p.Leu810Val (NM_001406667.1, NM_001406668.1); c.2227C>G, p.Leu743Val (NM_001406670.1, NM_001406678.1, NM_001318827.2); c.2326C>G, p.Leu776Val (NM_001406671.1, NM_001406673.1); c.2191C>G, p.Leu731Val (NM_001406675.1, NM_001406676.1, NM_001406679.1 and 1 more transcripts); c.2281C>G, p.Leu761Val (NM_001406677.1); c.1738C>G, p.Leu580Val (NM_001406688.1, NM_001406680.1, NM_001406682.1 and 6 more transcripts); c.994C>G, p.Leu332Val (NM_001406689.1, NM_001406690.1, NM_001406691.1 and 6 more transcripts); and 3 more; short protein forms L246V, L332V, L776V, L810V, L743V, L780V, L580V, L731V.
Identifiers: ClinVar variation 5031320 (VCV005031320.1).

ClinVar aggregate classification (germline): Uncertain significance (1 of 4 stars; one submission).

Conditions:
Hereditary cancer-predisposing syndrome. Also called: Neoplastic Syndromes, Hereditary; Tumor predisposition; Hereditary neoplastic syndrome; Hereditary Cancer Syndrome. Identifiers: Orphanet 140162, MedGen C0027672, MeSH D009386, MONDO:0015356.

gnomAD v4.1: 1 of 1,613,560 alleles (0.000062%); highest among the groups gnomAD compares: Non-Finnish European, 0.000085%; no homozygotes.

Submission:

Ambry Genetics
Classification: Uncertain significance for Hereditary cancer-predisposing syndrome. Last evaluated: 2026-07-06. Review status: criteria provided, single submitter. Criteria: Ambry Variant Classification Scheme 2023. Collection method: clinical testing. Allele origin: germline.
Comment: The p.L780V variant (also known as c.2338C>G), located in coding exon 20 of the TSC2 gene, results from a C to G substitution at nucleotide position 2338. The leucine at codon 780 is replaced by valine, an amino acid with highly similar properties. This amino acid position is conserved. In addition, this alteration is predicted to be deleterious by in silico analysis. Based on the available evidence, the clinical significance of this variant remains unclear.